The following is an entry in ClinVar:

NM_024529.5(CDC73):c.*12C>A

Gene: CDC73 (cell division cycle 73; plus strand). Cytogenetic location: 1q31.2.
Variant type: single nucleotide variant.
Coding change: c.*12C>A on transcript NM_024529.5 (MANE Select); 12 bases downstream of the stop codon, C replaced by A.
Molecular consequence: 3 prime UTR variant.
Genome position (GRCh38, 1-based): chr1:193,250,724, C>A. VCF-style: chr1-193250724-C-A. GRCh37 (hg19) VCF-style: chr1-193219854-C-A.
Identifiers: ClinVar variation 221109 (VCV000221109.55), dbSNP rs193025205, ClinGen allele CA350625.

ClinVar aggregate classification (germline): Benign/Likely benign. Review status: criteria provided, multiple submitters, no conflicts (2 of 4 stars). 9 submissions from 7 submitters: Benign (1); Likely benign (8). Last evaluated 2026-07-01.

Conditions:
Hyperparathyroidism 2 with jaw tumors. Also called: Hyperparathyroidism-Jaw Tumor Syndrome; Hyperparathyroidism 2; HYPERPARATHYROIDISM, FAMILIAL PRIMARY, WITH MULTIPLE OSSIFYING JAW FIBROMAS; HYPERPARATHYROIDISM-JAW TUMOR SYNDROME, HEREDITARY. Identifiers: Orphanet 99880, MedGen C1704981, MONDO:0007768, OMIM 145001.
Parathyroid carcinoma (PRTC). Also called: CDC73-Related Parathyroid Carcinoma; Parathyroid gland carcinoma. Identifiers: Orphanet 143, MedGen C0687150, MONDO:0012004, OMIM 608266, HP:0006780.
Hyperparathyroidism 1 (HRPT1). Also called: HYPERPARATHYROIDISM, FAMILIAL ISOLATED PRIMARY. Identifiers: Orphanet 99879, MedGen C1840402, MONDO:0007767, OMIM 145000.

Allele frequency attached by ClinVar (database versions not stated): 1000 Genomes Project 0.00040; 1000 Genomes Project 30x 0.00047; TOPMed 0.00155; gnomAD 0.00188 and 0.00196; gnomAD exomes 0.00190; ESP Exome Variant Server 0.00192; ExAC 0.00205.
gnomAD v4.1: 3,994 of 1,605,314 alleles (0.25%); highest among the groups gnomAD compares: Non-Finnish European, 0.31%; 4 homozygotes.

Submissions (9):

CeGaT Center for Human Genetics Tuebingen
Classification: Likely benign. Last evaluated: 2026-07-01. Review status: criteria provided, single submitter. Criteria: CeGaT Center For Human Genetics Tuebingen Variant Classification Criteria Version 2. Collection method: clinical testing. Allele origin: germline. Affected: yes. Observed: 34 variant alleles.
Comment: CDC73: BP4, BS1

Labcorp Genetics (formerly Invitae), Labcorp
Classification: Benign for Parathyroid carcinoma. Last evaluated: 2026-01-26. Review status: criteria provided, single submitter. Criteria: Invitae Variant Classification Sherloc (09022015). Collection method: clinical testing. Allele origin: germline.

Center for Genomic Medicine, Rigshospitalet, Copenhagen University Hospital
Classification: Likely benign. Last evaluated: 2025-03-04. Review status: criteria provided, single submitter. Criteria: ACMG Guidelines, 2015. Collection method: clinical testing. Allele origin: germline.

Blueprint Genetics
Classification: Likely benign. Last evaluated: 2024-11-18. Review status: criteria provided, single submitter. Criteria: ACMG Guidelines, 2015. Collection method: clinical testing. Allele origin: germline.

Center for Pediatric Genomic Medicine, Children's Mercy Hospital and Clinics
Classification: Likely benign. Last evaluated: 2017-06-02. Review status: criteria provided, single submitter. Criteria: ACMG Guidelines, 2015. Collection method: clinical testing. Allele origin: germline.

Illumina Laboratory Services, Illumina
Classification: Likely benign for Hyperparathyroidism 1. Last evaluated: 2017-04-27. Review status: criteria provided, single submitter. Criteria: ICSL Variant Classification Criteria 13 December 2019. Collection method: clinical testing. Allele origin: germline.
Comment: This variant was observed as part of a predisposition screen in an ostensibly healthy population. A literature search was performed for the gene, cDNA change, and amino acid change (where applicable). No publications were found based on this search. Allele frequency data from public databases allowed determination this variant is unlikely to cause disease. Therefore, this variant is classified as likely benign.

Illumina Laboratory Services, Illumina
Classification: Likely benign for Hyperparathyroidism 2 with jaw tumors. Last evaluated: 2017-04-27. Review status: criteria provided, single submitter. Criteria: ICSL Variant Classification Criteria 13 December 2019. Collection method: clinical testing. Allele origin: germline.
Comment: the same text as in the submission from Illumina Laboratory Services, Illumina above.

Illumina Laboratory Services, Illumina
Classification: Likely benign for Parathyroid carcinoma. Last evaluated: 2017-04-27. Review status: criteria provided, single submitter. Criteria: ICSL Variant Classification Criteria 13 December 2019. Collection method: clinical testing. Allele origin: germline.
Comment: the same text as in the submission from Illumina Laboratory Services, Illumina above.

GeneDx
Classification: Likely benign. Last evaluated: 2016-10-27. Review status: criteria provided, single submitter. Criteria: GeneDx Variant Classification (06012015). Collection method: clinical testing. Allele origin: germline. Affected: yes.
Comment: This variant is considered likely benign or benign based on one or more of the following criteria: it is a conservative change, it occurs at a poorly conserved position in the protein, it is predicted to be benign by multiple in silico algorithms, and/or has population frequency not consistent with disease.